The following is an entry in ClinVar:

ClinVar aggregate classification (germline): Likely benign (1 of 4 stars; one submission).

Conditions:
MELAS syndrome (MELAS). Also called: Juvenile myopathy, encephalopathy, lactic acidosis, stroke. Identifiers: Orphanet 550, MedGen C0162671, MONDO:0010789, OMIM 540000.

Submission:

Wong Mito Lab, Molecular and Human Genetics, Baylor College of Medicine
Classification: Likely benign for MELAS syndrome. Last evaluated: 2019-07-12. Review status: criteria provided, single submitter. Criteria: Modified ACMG Guidelines (Unpublished). Collection method: clinical testing. Allele origin: germline.
Comment: The NC_012920.1:m.10410T>A variant in MT-TR gene is interpreted to be a Likely Benign variant based on the modified ACMG guidelines (unpublished). This variant meets the following evidence codes reported in the guidelines: BS1, BP4

Literature cited by the submitters: PubMed 31965079.

NC_012920.1(MT-TR):m.10410T>A

Gene: MT-TR (mitochondrially encoded tRNA arginine; plus strand).
Variant type: single nucleotide variant.
Genome position: chrM-10410-T-A.
Identifiers: ClinVar variation 690115 (VCV000690115.1), dbSNP rs200478835, ClinGen allele CA913163130.